The following is an entry in ClinVar:

NM_005269.3(GLI1):c.2136C>T (p.Ser712=)

Gene: GLI1 (GLI family zinc finger 1; plus strand). Cytogenetic location: 12q13.3.
Variant type: single nucleotide variant.
Coding change: c.2136C>T on transcript NM_005269.3 (MANE Select); coding-DNA position 2136, C replaced by T.
Protein change: p.Ser712=; no amino-acid change (serine 712 retained).
Molecular consequence: synonymous variant.
Genome position (GRCh38, 1-based): chr12:57,470,876, C>T. VCF-style: chr12-57470876-C-T. GRCh37 (hg19) VCF-style: chr12-57864659-C-T.
Other names: c.1752C>T, p.Ser584= (NM_001160045.2); c.2013C>T, p.Ser671= (NM_001167609.2).
Identifiers: ClinVar variation 790119 (VCV000790119.7), dbSNP rs148497133, ClinGen allele CA6648952.
Genomic context (GRCh38, chr12:57,470,876, plus strand): 5'-CACTGAGAATGCTGCCATGGATGCTAGAGGGCTACAGGAAGAGCCAGAAGTTGGGACCTC[C>T]ATGGTGGGCAGTGGTCTGAACCCCTATATGGACTTCCCACCTACTGATACTCTGGGATAT-3'
Protein context (NP_005260.1, residues 702-722): GLQEEPEVGT[Ser712=]MVGSGLNPYM

ClinVar aggregate classification (germline): Benign. Review status: criteria provided, multiple submitters, no conflicts (2 of 4 stars). 3 submissions from 3 submitters: Benign (2). 1 of the submissions does not count toward it. Last evaluated 2019-12-31.

Conditions:
GLI1-related disorder. Also called: GLI1-related condition.

Allele frequency attached by ClinVar (database versions not stated): gnomAD exomes 0.00079 and 0.00208; ExAC 0.00261; gnomAD 0.00812 and 0.00884; TOPMed 0.00920; ESP Exome Variant Server 0.00923; 1000 Genomes Project 0.00958; 1000 Genomes Project 30x 0.00968.
gnomAD v4.1: 2,447 of 1,611,336 alleles (0.15%); highest among the groups gnomAD compares: African/African-American, 2.9%; 37 homozygotes.

Submissions (3):

Labcorp Genetics (formerly Invitae), Labcorp
Classification: Benign. Last evaluated: 2019-12-31. Review status: criteria provided, single submitter. Criteria: Invitae Variant Classification Sherloc (09022015). Collection method: clinical testing. Allele origin: germline.

Breakthrough Genomics
Classification: Benign. Review status: criteria provided, single submitter. Criteria: ACMG Guidelines, 2015. Collection method: not provided. Allele origin: germline. Inheritance: Autosomal recessive inheritance. Affected: yes.

PreventionGenetics, part of Exact Sciences
Classification: Benign for GLI1-related condition. Last evaluated: 2019-03-12. Review status: no assertion criteria provided. Collection method: clinical testing. Allele origin: germline. Not counted in ClinVar's aggregate classification.
Comment: This variant is classified as benign based on ACMG/AMP sequence variant interpretation guidelines (Richards et al. 2015 PMID: 25741868, with internal and published modifications).